The following is an entry in ClinVar:

ClinVar aggregate classification (germline): Likely pathogenic (1 of 4 stars; one submission).

Conditions:
Focal segmental glomerulosclerosis 2 (FSGS2). Identifiers: Orphanet 656, MedGen C1858915, MONDO:0011390, OMIM 603965.

Submission:

Precision Medicine Center, Zhengzhou University
Classification: Likely pathogenic for Focal segmental glomerulosclerosis 2. Last evaluated: 2023-12-01. Review status: criteria provided, single submitter. Criteria: ACMG Guidelines, 2015. Collection method: clinical testing. Allele origin: paternal. Affected: yes.
Comment: PVS1,PM2_p

NM_004621.6(TRPC6):c.1891_1894del (p.Val631fs)

Gene: TRPC6 (transient receptor potential cation channel subfamily C member 6; minus strand). Cytogenetic location: 11q22.1.
Variant type: Deletion.
Coding change: c.1891_1894del on transcript NM_004621.6 (MANE Select); coding-DNA positions 1891 to 1894, 4 bases deleted (GTCA; older notation c.1891_1894delGTCA).
Protein change: p.Val631fs; shifts the reading frame from valine 631.
Molecular consequence: frameshift variant.
Genome position (GRCh38, 1-based): chr11:101,473,624-101,473,627, TGAC deleted on the plus strand (GTCA on the coding strand, the reverse complement: TRPC6 is on the minus strand); deleting any 4 consecutive bases within chr11:101,473,624-101,473,629 gives the same sequence; the c. name uses the placement nearest the transcript's 3' end. VCF-style (leftmost placement, unchanged base first): chr11-101473623-TTGAC-T. GRCh37 (hg19) VCF-style: chr11-101344354-TTGAC-T.
Other names: short protein forms V631fs.
Identifiers: ClinVar variation 2681752 (VCV002681752.2), dbSNP rs2497337197.